The following is an entry in ClinVar:

ClinVar aggregate classification (germline): Uncertain significance (1 of 4 stars; one submission).

Conditions:
Singleton-Merten syndrome 1 (SGMRT1). Also called: Widened medullary cavities of bone, aortic calcification, abnormal dentition, and muscular weakness; Syndrome of widened medullary cavities of the metacarpals and phalanges, aortic calcification and abnormal dentition. Identifiers: Orphanet 85191, MedGen C4225427, MONDO:0024535, OMIM 182250.
Aicardi-Goutieres syndrome 7 (AGS7). Identifiers: Orphanet 51, MedGen C3888244, MONDO:0014367, OMIM 615846.

gnomAD v4.1: 1 of 1,612,534 alleles (0.000062%); highest among the groups gnomAD compares: Non-Finnish European, 0.000085%; no homozygotes.

Submission:

Labcorp Genetics (formerly Invitae), Labcorp
Classification: Uncertain significance for Aicardi-Goutieres syndrome 7; Singleton-Merten syndrome 1. Last evaluated: 2024-06-29. Review status: criteria provided, single submitter. Criteria: Invitae Variant Classification Sherloc (09022015). Collection method: clinical testing. Allele origin: germline.
Comment: This sequence change replaces leucine, which is neutral and non-polar, with proline, which is neutral and non-polar, at codon 471 of the IFIH1 protein (p.Leu471Pro). This variant is not present in population databases (gnomAD no frequency). This variant has not been reported in the literature in individuals affected with IFIH1-related conditions. Advanced modeling of protein sequence and biophysical properties (such as structural, functional, and spatial information, amino acid conservation, physicochemical variation, residue mobility, and thermodynamic stability) has been performed at Invitae for this missense variant, however the output from this modeling did not meet the statistical confidence thresholds required to predict the impact of this variant on IFIH1 protein function. In summary, the available evidence is currently insufficient to determine the role of this variant in disease. Therefore, it has been classified as a Variant of Uncertain Significance.

NM_022168.4(IFIH1):c.1412T>C (p.Leu471Pro)

Gene: IFIH1 (interferon induced with helicase C domain 1; minus strand). Cytogenetic location: 2q24.2.
Variant type: single nucleotide variant.
Coding change: c.1412T>C on transcript NM_022168.4 (MANE Select); coding-DNA position 1412, T replaced by C.
Protein change: p.Leu471Pro; replaces leucine 471 with proline.
Molecular consequence: missense variant.
Genome position (GRCh38, 1-based): chr2:162,281,440, A>G on the plus strand (T>C on the coding strand, the complement: IFIH1 is on the minus strand). VCF-style: chr2-162281440-A-G. GRCh37 (hg19) VCF-style: chr2-163137950-A-G.
Other names: short protein forms L471P.
Identifiers: ClinVar variation 3753633 (VCV003753633.2).
Genomic context (GRCh38, chr2:162,281,440, plus strand): 5'-GGTGAAGCTGTTAGTCCCAGTATCTGAGGAAGGGGAATCACTGGTTTGTTTTCTTTCTTG[A>G]GTCTATTGTTTTTCAACTTCTGCATCAAATAATGCCTCATGATGTTATTATACACTGCTT-3'
Protein context (NP_071451.2, residues 461-481): YLMQKLKNNR[Leu471Pro]KKENKPVIPL